The following is an entry in ClinVar:

NM_001046.3(SLC12A2):c.291G>A (p.Ala97=)

Genes: SLC12A2 (solute carrier family 12 member 2; plus strand), LOC129994526 (ATAC-STARR-seq lymphoblastoid silent region 16295; plus strand). Cytogenetic location: 5q23.3.
Variant type: single nucleotide variant.
Coding change: c.291G>A on transcript NM_001046.3 (MANE Select); coding-DNA position 291, G replaced by A.
Protein change: p.Ala97=; no amino-acid change (alanine 97 retained).
Molecular consequence: synonymous variant. On other transcripts: non-coding transcript variant (1).
Genome position (GRCh38, 1-based): chr5:128,084,245, G>A. VCF-style: chr5-128084245-G-A. GRCh37 (hg19) VCF-style: chr5-127419937-G-A.
Other names: c.291G>A, p.Ala97= (NM_001256461.2); c.291G>A (NM_001046.2).
Identifiers: ClinVar variation 4740133 (VCV004740133.2).

ClinVar aggregate classification (germline): Likely benign. Review status: criteria provided, multiple submitters, no conflicts (2 of 4 stars). 2 submissions from 2 submitters: Likely benign (2). Last evaluated 2026-01-21.

Conditions:
SLC12A2-related disorder. Also called: SLC12A2-related condition; SLC12A2-related disorders.

gnomAD v4.1: 80 of 1,222,320 alleles (0.0065%); highest among the groups gnomAD compares: Middle Eastern, 0.028%; no homozygotes.

Submissions (2):

PreventionGenetics, part of Exact Sciences
Classification: Likely benign for SLC12A2-related condition. Last evaluated: 2026-01-21. Review status: criteria provided, single submitter. Criteria: ACMG Guidelines, 2015. Collection method: clinical testing. Allele origin: germline.
Comment: This variant is classified as likely benign based on ACMG/AMP sequence variant interpretation guidelines (Richards et al. 2015 PMID: 25741868, with internal and published modifications).

Labcorp Genetics (formerly Invitae), Labcorp
Classification: Likely benign. Last evaluated: 2025-10-08. Review status: criteria provided, single submitter. Criteria: Invitae Variant Classification Sherloc (09022015). Collection method: clinical testing. Allele origin: germline.